The following is an entry in ClinVar:

NM_021098.3(CACNA1H):c.2026_2027del (p.Leu676fs)

Gene: CACNA1H (calcium voltage-gated channel subunit alpha1 H; plus strand). Cytogenetic location: 16p13.3.
Variant type: Deletion.
Coding change: c.2026_2027del on transcript NM_021098.3 (MANE Select); coding-DNA positions 2026 to 2027, 2 bases deleted (CT; older notation c.2026_2027delCT).
Protein change: p.Leu676fs; shifts the reading frame from leucine 676.
Molecular consequence: frameshift variant.
Genome position (GRCh38, 1-based): chr16:1,204,033-1,204,034, CT deleted; deleting any 2 consecutive bases within chr16:1,204,032-1,204,034 gives the same sequence; the c. name uses the placement nearest the transcript's 3' end. VCF-style (leftmost placement, unchanged base first): chr16-1204031-ATC-A. GRCh37 (hg19) VCF-style: chr16-1254031-ATC-A.
Other names: c.2026_2027del, p.Leu676fs (NM_001005407.2); short protein forms L676fs.
Identifiers: ClinVar variation 2922133 (VCV002922133.3), dbSNP rs2548656195, ClinGen allele CA2740096827.

ClinVar aggregate classification (germline): Uncertain significance (1 of 4 stars; one submission).

Conditions:
Idiopathic generalized epilepsy. Also called: Generalised epilepsy; EIG. Identifiers: MedGen C0270850, MONDO:0005579, OMIM 600669.
Hyperaldosteronism, familial, type IV (HALD4). Also called: FH IV; ALDOSTERONISM, PRIMARY, AND HYPERTENSION. Identifiers: Orphanet 642671, MedGen C4310756, MONDO:0014875, OMIM 617027.

Submission:

Labcorp Genetics (formerly Invitae), Labcorp
Classification: Uncertain significance for Idiopathic generalized epilepsy; Hyperaldosteronism, familial, type IV. Last evaluated: 2024-01-11. Review status: criteria provided, single submitter. Criteria: Invitae Variant Classification Sherloc (09022015). Collection method: clinical testing. Allele origin: germline.
Comment: This sequence change creates a premature translational stop signal (p.Leu676Valfs*20) in the CACNA1H gene. It is expected to result in an absent or disrupted protein product. However, the current clinical and genetic evidence is not sufficient to establish whether loss-of-function variants in CACNA1H cause disease. This variant is not present in population databases (gnomAD no frequency). This variant has not been reported in the literature in individuals affected with CACNA1H-related conditions. In summary, the available evidence is currently insufficient to determine the role of this variant in disease. Therefore, it has been classified as a Variant of Uncertain Significance.